The following is an entry in ClinVar:

ClinVar aggregate classification (germline): Likely benign. Review status: criteria provided, multiple submitters, no conflicts (2 of 4 stars). 3 submissions from 3 submitters: Likely benign (3). Last evaluated 2022-12-29.

Conditions:
Familial thoracic aortic aneurysm and aortic dissection (TAAD). Also called: Thoracic aortic aneurysms and dissections. Identifiers: Orphanet 91387, MedGen C4707243, MONDO:0019625.
FG syndrome (FGS). Identifiers: MedGen C0220769, MONDO:0002010.

Allele frequency attached by ClinVar (database versions not stated): gnomAD exomes below 0.00001 and 0.00001; TOPMed below 0.00001; gnomAD 0.00001; ESP Exome Variant Server 0.00010.
gnomAD v4.1: 2 of 1,178,267 alleles (0.00017%); highest among the groups gnomAD compares: Non-Finnish European, 0.00023%; no homozygotes.

Submissions (3):

Ambry Genetics
Classification: Likely benign for Familial thoracic aortic aneurysm and aortic dissection. Last evaluated: 2022-12-29. Review status: criteria provided, single submitter. Criteria: Ambry Variant Classification Scheme 2023. Collection method: clinical testing. Allele origin: germline.

Labcorp Genetics (formerly Invitae), Labcorp
Classification: Likely benign for FG syndrome. Last evaluated: 2022-12-25. Review status: criteria provided, single submitter. Criteria: Invitae Variant Classification Sherloc (09022015). Collection method: clinical testing. Allele origin: germline.

CeGaT Center for Human Genetics Tuebingen
Classification: Likely benign. Last evaluated: 2022-05-01. Review status: criteria provided, single submitter. Criteria: CeGaT Center For Human Genetics Tuebingen Variant Classification Criteria Version 2. Collection method: clinical testing. Allele origin: germline. Affected: yes. Observed: 1 variant allele.
Comment: MED12: BP4, BP7

NM_005120.3(MED12):c.201C>G (p.Ala67=)

Gene: MED12 (mediator complex subunit 12; plus strand). Cytogenetic location: Xq13.1.
Variant type: single nucleotide variant.
Coding change: c.201C>G on transcript NM_005120.3 (MANE Select); coding-DNA position 201, C replaced by G.
Protein change: p.Ala67=; no amino-acid change (alanine 67 retained).
Molecular consequence: synonymous variant.
Genome position (GRCh38, 1-based): chrX:71,119,474, C>G. VCF-style: chrX-71119474-C-G. GRCh37 (hg19) VCF-style: chrX-70339324-C-G.
Other names: c.201C>G (NM_005120.2).
Identifiers: ClinVar variation 1146788 (VCV001146788.34), dbSNP rs374555675, ClinGen allele CA330974746.